The following is an entry in ClinVar:

NM_007294.4(BRCA1):c.852G>C (p.Gln284His)

Gene: BRCA1 (BRCA1 DNA repair associated; minus strand). Cytogenetic location: 17q21.31.
Variant type: single nucleotide variant.
Coding change: c.852G>C on transcript NM_007294.4 (MANE Select); coding-DNA position 852, G replaced by C.
Protein change: p.Gln284His; replaces glutamine 284 with histidine.
Molecular consequence: missense variant. On other transcripts: 5 prime UTR variant (2), intron variant (137).
Genome position (GRCh38, 1-based): chr17:43,094,679, C>G on the plus strand (G>C on the coding strand, the complement: BRCA1 is on the minus strand). VCF-style: chr17-43094679-C-G. GRCh37 (hg19) VCF-style: chr17-41246696-C-G.
Other names: c.852G>C, p.Gln284His (NM_001407583.1, NM_001407585.1, NM_001407593.1 and 30 more transcripts); c.849G>C, p.Gln283His (NM_001407587.1, NM_001407590.1, NM_001407591.1 and 22 more transcripts); c.774G>C, p.Gln258His (NM_001407657.1, NM_001407658.1, NM_001407663.1 and 4 more transcripts); c.771G>C, p.Gln257His (NM_001407659.1, NM_001407660.1, NM_001407661.1 and 1 more transcripts); c.729G>C, p.Gln243His (NM_001407664.1, NM_001407665.1, NM_001407676.1 and 19 more transcripts); c.711G>C, p.Gln237His (NM_001407696.1, NM_001407697.1, NM_001407698.1 and 29 more transcripts); c.708G>C, p.Gln236His (NM_001407740.1, NM_001407741.1, NM_001407742.1 and 20 more transcripts); c.639G>C, p.Gln213His (NM_001407853.1, NM_001407894.1, NM_001407895.1 and 9 more transcripts); and 40 more; short protein forms Q237H, Q284H, Q213H, Q214H, Q281H, Q173H, Q116H, Q156H.
Identifiers: ClinVar variation 822538 (VCV000822538.16), dbSNP rs1597879571, ClinGen allele CA10600381.

ClinVar aggregate classification (germline): Conflicting classifications of pathogenicity. Review status: criteria provided, conflicting classifications (1 of 4 stars). 6 submissions from 6 submitters: Uncertain significance (5); Likely benign (1). Last evaluated 2026-02-11.

Conditions:
Hereditary breast ovarian cancer syndrome. Also called: BRCA1- and BRCA2-Associated Hereditary Breast and Ovarian Cancer; Hereditary breast and ovarian cancer syndrome (HBOC); Hereditary breast and ovarian cancer syndrome; Breast and ovarian cancer; Hereditary breast and ovarian cancer; Hereditary breast and/or ovarian cancer syndrome. Identifiers: Orphanet 145, MedGen C0677776, MeSH D061325, MONDO:0003582. Disease mechanism: loss of function.
Hereditary cancer-predisposing syndrome. Also called: Hereditary Cancer Syndrome; Hereditary neoplastic syndrome; Neoplastic Syndromes, Hereditary; Tumor predisposition. Identifiers: Orphanet 140162, MedGen C0027672, MeSH D009386, MONDO:0015356.
Breast-ovarian cancer, familial, susceptibility to, 1 (BROVCA1). Also called: OVARIAN CANCER, SUSCEPTIBILITY TO; BRCA1 Hereditary Breast and Ovarian Cancer. Identifiers: Orphanet 145, MedGen C2676676, MONDO:0011450, OMIM 604370. Disease mechanism: loss of function.

Allele frequency attached by ClinVar (database versions not stated): gnomAD exomes 0.00001.
gnomAD v4.1: 5 of 1,613,888 alleles (0.00031%); highest among the groups gnomAD compares: East Asian, 0.011%; no homozygotes.

Submissions (6):

St. Jude Molecular Pathology, St. Jude Children's Research Hospital
Classification: Uncertain significance for Breast-ovarian cancer, familial, susceptibility to, 1. Last evaluated: 2026-02-11. Review status: criteria provided, single submitter. Criteria: St. Jude Assertion Criteria 2020. Collection method: clinical testing. Allele origin: germline.
Comment: The BRCA1 c.852G>C p.(Gln28 4His) missense change is absent in gnomAD v2.1.1. The in silico tool REVEL is inconclusive about a pathogenic or benign effect of this variant on protein function, and to our knowledge functional studies have not been performed. To our knowledge, this variant has not been reported in individuals with HBOC or Fanconi anemia. In summary, the evidence currently available is insufficient to determine the clinical significance of this variant. It has therefore been classified as of uncertain significance.

Women's Health and Genetics/Laboratory Corporation of America, LabCorp
Classification: Uncertain significance. Last evaluated: 2025-12-04. Review status: criteria provided, single submitter. Criteria: LabCorp Variant Classification Summary - May 2015. Collection method: clinical testing. Allele origin: germline.
Comment: Variant summary: BRCA1 c.852G>C (p.Gln284His) results in a non-conservative amino acid change in the encoded protein sequence. Algorithms developed to predict the effect of missense changes on protein structure and function are either unavailable or do not agree on the potential impact of this missense change. The variant allele was found at a frequency of 3.7e-05 in 326276 control chromosomes. This frequency is not significantly higher than estimated for disease-causing variants in BRCA1, allowing no conclusion about variant significance. c.852G>C has been reported in the literature in individuals affected with breast cancer, as well as healthy controls in hereditary cancer studies (Momozawa_2018, Okawa_2023). These report(s) do not provide unequivocal conclusions about association of the variant with Hereditary Breast And Ovarian Cancer Syndrome. To our knowledge, no experimental evidence demonstrating an impact on protein function has been reported. The following publications have been ascertained in the context of this evaluation (PMID: 30287823, 36243179, 31759379). ClinVar contains an entry for this variant (Variation ID: 822538). Based on the evidence outlined above, the variant was classified as uncertain significance.

All of Us Research Program, National Institutes of Health
Classification: Uncertain significance for Breast-ovarian cancer, familial, susceptibility to, 1. Last evaluated: 2023-11-20. Review status: criteria provided, single submitter. Criteria: ACMG Guidelines, 2015. Collection method: clinical testing. Allele origin: germline. Inheritance: Autosomal dominant inheritance. Observed: 1 variant allele, 1 heterozygote.
Comment: This missense variant replaces glutamine with histidine at codon 284 of the BRCA1 protein. Computational prediction is inconclusive regarding the impact of this variant on protein structure and function (internally defined REVEL score threshold 0.5 < inconclusive < 0.7, PMID: 27666373). To our knowledge, functional studies have not been reported for this variant. This variant has been reported in an individual affected with breast cancer (PMID: 31759379) and in a breast cancer case-control study in 3/7051 female cases, 1/11241 unaffected females, absent in 53 male cases and 4/12490 unaffected males (PMID: 30287823). This variant also has been reported in a pancreatic cancer case-control study in 5/23705 unaffected individuals and absent in 1005 cases and in a prostate cancer case-control study in 1/7636 cases and 4/12366 unaffected individuals (PMID: 31214711, 32980694). This variant has not been identified in the general population by the Genome Aggregation Database (gnomAD). The available evidence is insufficient to determine the role of this variant in disease conclusively. Therefore, this variant is classified as a Variant of Uncertain Significance.

This study involves interpretation of variants in research participants for the purpose of population health screening. Participant phenotype was not available at the time of variant classification. Additional details can be found in publication PMID: 35346344, PMCID: PMC8962531

University of Washington Department of Laboratory Medicine, University of Washington
Classification: Likely benign for Hereditary cancer-predisposing syndrome. Last evaluated: 2023-03-23. Review status: criteria provided, single submitter. Criteria: Dines et al. (Genet Med. 2020). Collection method: curation. Allele origin: germline.
Comment: Missense variant in a coldspot region where missense variants are very unlikely to be pathogenic (PMID:31911673).

BRCA1 coldspot (exon 11 using historical exon numbering). Reclassification based on statistical prior probability

Labcorp Genetics (formerly Invitae), Labcorp
Classification: Uncertain significance for Hereditary breast ovarian cancer syndrome. Last evaluated: 2022-03-06. Review status: criteria provided, single submitter. Criteria: Invitae Variant Classification Sherloc (09022015). Collection method: clinical testing. Allele origin: germline.
Comment: In summary, the available evidence is currently insufficient to determine the role of this variant in disease. Therefore, it has been classified as a Variant of Uncertain Significance. Advanced modeling of protein sequence and biophysical properties (such as structural, functional, and spatial information, amino acid conservation, physicochemical variation, residue mobility, and thermodynamic stability) performed at Invitae indicates that this missense variant is not expected to disrupt BRCA1 protein function. ClinVar contains an entry for this variant (Variation ID: 822538). This missense change has been observed in individual(s) with breast cancer (PMID: 30287823). This variant is not present in population databases (gnomAD no frequency). This sequence change replaces glutamine, which is neutral and polar, with histidine, which is basic and polar, at codon 284 of the BRCA1 protein (p.Gln284His).

Ambry Genetics
Classification: Uncertain significance for Hereditary cancer-predisposing syndrome. Last evaluated: 2018-12-28. Review status: criteria provided, single submitter. Criteria: Ambry Variant Classification Scheme 2023. Collection method: clinical testing. Allele origin: germline.
Comment: The p.Q284H variant (also known as c.852G>C), located in coding exon 9 of the BRCA1 gene, results from a G to C substitution at nucleotide position 852. The glutamine at codon 284 is replaced by histidine, an amino acid with highly similar properties. This amino acid position is well conserved in available vertebrate species. In addition, the in silico prediction for this alteration is inconclusive. Since supporting evidence is limited at this time, the clinical significance of this alteration remains unclear.

Literature cited by the submitters: PubMed 30287823 (cited by 3 submitters); PubMed 36243179 (cited by Women's Health and Genetics/Laboratory Corporation of America, LabCorp); PubMed 31759379 (cited by Women's Health and Genetics/Laboratory Corporation of America, LabCorp and All of Us Research Program, National Institutes of Health); PubMed 31214711 (cited by All of Us Research Program, National Institutes of Health); PubMed 32980694 (cited by All of Us Research Program, National Institutes of Health).